The following is an entry in ClinVar:

NM_000191.3(HMGCL):c.112G>T (p.Val38Phe)

Gene: HMGCL (3-hydroxy-3-methylglutaryl-CoA lyase; minus strand). Cytogenetic location: 1p36.11.
Variant type: single nucleotide variant.
Coding change: c.112G>T on transcript NM_000191.3 (MANE Select); coding-DNA position 112, G replaced by T.
Protein change: p.Val38Phe; replaces valine 38 with phenylalanine.
Molecular consequence: missense variant.
Genome position (GRCh38, 1-based): chr1:23,820,542, C>A on the plus strand (G>T on the coding strand, the complement: HMGCL is on the minus strand). VCF-style: chr1-23820542-C-A. GRCh37 (hg19) VCF-style: chr1-24147032-C-A.
Other names: c.112G>T, p.Val38Phe (NM_001166059.2); short protein forms V38F.
Identifiers: ClinVar variation 2075645 (VCV002075645.4), dbSNP rs1638699591, ClinGen allele CA339030372.

ClinVar aggregate classification (germline): Uncertain significance (1 of 4 stars; one submission).

Conditions:
Deficiency of hydroxymethylglutaryl-CoA lyase (HMGCLD). Also called: Defect in leucine metabolism; 3-hydroxy-3-methylglutaric aciduria; HMGCL DEFICIENCY; HYDROXYMETHYLGLUTARIC ACIDURIA; HMG-CoA LYASE DEFICIENCY. Identifiers: Orphanet 20, MedGen C1533587, MONDO:0009520, OMIM 246450.

Submission:

Labcorp Genetics (formerly Invitae), Labcorp
Classification: Uncertain significance for Deficiency of hydroxymethylglutaryl-CoA lyase. Last evaluated: 2023-05-15. Review status: criteria provided, single submitter. Criteria: Invitae Variant Classification Sherloc (09022015). Collection method: clinical testing. Allele origin: germline.
Comment: ClinVar contains an entry for this variant (Variation ID: 2075645). This sequence change replaces valine, which is neutral and non-polar, with phenylalanine, which is neutral and non-polar, at codon 38 of the HMGCL protein (p.Val38Phe). This variant is not present in population databases (gnomAD no frequency). This variant has not been reported in the literature in individuals affected with HMGCL-related conditions. Advanced modeling of protein sequence and biophysical properties (such as structural, functional, and spatial information, amino acid conservation, physicochemical variation, residue mobility, and thermodynamic stability) performed at Invitae indicates that this missense variant is expected to disrupt HMGCL protein function. In summary, the available evidence is currently insufficient to determine the role of this variant in disease. Therefore, it has been classified as a Variant of Uncertain Significance.